The following is an entry in ClinVar:

ClinVar aggregate classification (germline): Likely pathogenic (1 of 4 stars; one submission).

Conditions:
Aspartylglucosaminuria (AGU). Also called: AGA DEFICIENCY; Aspartylglucos-aminuria; Aspartylglucos-amidase (AGA) deficiency; GLYCOASPARAGINASE; GLYCOSYLASPARAGINASE DEFICIENCY. Identifiers: Orphanet 93, MedGen C0268225, MONDO:0008830, OMIM 208400, HP:0012068.

Submission:

Labcorp Genetics (formerly Invitae), Labcorp
Classification: Likely pathogenic for Aspartylglucosaminuria. Last evaluated: 2023-07-11. Review status: criteria provided, single submitter. Criteria: Invitae Variant Classification Sherloc (09022015). Collection method: clinical testing. Allele origin: germline.
Comment: This sequence change affects an acceptor splice site in intron 7 of the AGA gene. It is expected to disrupt RNA splicing. Variants that disrupt the donor or acceptor splice site typically lead to a loss of protein function (PMID: 16199547), and loss-of-function variants in AGA are known to be pathogenic (PMID: 7627186, 11309371). This variant is not present in population databases (gnomAD no frequency). This variant has not been reported in the literature in individuals affected with AGA-related conditions. Algorithms developed to predict the effect of sequence changes on RNA splicing suggest that this variant may disrupt the consensus splice site. In summary, the currently available evidence indicates that the variant is pathogenic, but additional data are needed to prove that conclusively. Therefore, this variant has been classified as Likely Pathogenic.

Literature cited by the submitters: PubMed 16199547; PubMed 7627186; PubMed 11309371.

NM_000027.4(AGA):c.807-1G>A

Gene: AGA (aspartylglucosaminidase; minus strand). Cytogenetic location: 4q34.3.
Variant type: single nucleotide variant.
Coding change: c.807-1G>A on transcript NM_000027.4 (MANE Select); the canonical splice acceptor site of the intron before coding-DNA position 807, G replaced by A.
Molecular consequence: splice acceptor variant.
Genome position (GRCh38, 1-based): chr4:177,433,348, C>T on the plus strand (G>A on the coding strand, the complement: AGA is on the minus strand). VCF-style: chr4-177433348-C-T. GRCh37 (hg19) VCF-style: chr4-178354502-C-T.
Other names: c.777-1G>A (NM_001171988.2).
Identifiers: ClinVar variation 2741532 (VCV002741532.3), dbSNP rs2476846231, ClinGen allele CA358781617.